The following is an entry in ClinVar:

ClinVar aggregate classification (germline): Benign. Review status: criteria provided, multiple submitters, no conflicts (2 of 4 stars). 4 submissions from 4 submitters: Benign (4). Last evaluated 2026-02-04.

Allele frequency attached by ClinVar (database versions not stated): 1000 Genomes Project 0.86701; ExAC 0.89012; gnomAD 0.91273 and 0.90982; ESP Exome Variant Server 0.92557; 1000 Genomes Project 30x 0.86649; gnomAD exomes 0.88452 and 0.92397; TOPMed 0.90509.
gnomAD v4.1: 1,488,347 of 1,613,456 alleles (92%); highest among the groups gnomAD compares: Middle Eastern, 96%; 688,162 homozygotes.

Submissions (4):

Labcorp Genetics (formerly Invitae), Labcorp
Classification: Benign. Last evaluated: 2026-02-04. Review status: criteria provided, single submitter. Criteria: Invitae Variant Classification Sherloc (09022015). Collection method: clinical testing. Allele origin: germline.

Women's Health and Genetics/Laboratory Corporation of America, LabCorp
Classification: Benign. Last evaluated: 2026-01-21. Review status: criteria provided, single submitter. Criteria: LabCorp Variant Classification Summary - May 2015. Collection method: clinical testing. Allele origin: germline.

Unidad de Genómica Garrahan, Hospital de Pediatría Garrahan
Classification: Benign. Last evaluated: 2024-01-24. Review status: criteria provided, single submitter. Criteria: ACMG Guidelines, 2015. Collection method: clinical testing. Allele origin: germline. Affected: no. Observed: 92 variant alleles.
Comment: This variant is classified as Benign based on local population frequency. This variant was detected in 97% of patients studied by a panel of primary immunodeficiencies. Number of patients: 92. Only high quality variants are reported.

GeneDx
Classification: Benign. Last evaluated: 2019-01-10. Review status: criteria provided, single submitter. Criteria: GeneDx Variant Classification Process June 2021. Collection method: clinical testing. Allele origin: germline. Affected: yes.
Comment: This variant is associated with the following publications: (PMID: 29083408)

NM_133372.3(FNIP1):c.1943A>G (p.Gln648Arg)

Gene: FNIP1 (folliculin interacting protein 1; minus strand). Cytogenetic location: 5q31.1.
Variant type: single nucleotide variant.
Coding change: c.1943A>G on transcript NM_133372.3 (MANE Select); coding-DNA position 1943, A replaced by G.
Protein change: p.Gln648Arg; replaces glutamine 648 with arginine.
Molecular consequence: missense variant.
Genome position (GRCh38, 1-based): chr5:131,672,501, T>C on the plus strand (A>G on the coding strand, the complement: FNIP1 is on the minus strand). VCF-style: chr5-131672501-T-C. GRCh37 (hg19) VCF-style: chr5-131008194-T-C.
Other names: c.1859A>G, p.Gln620Arg (NM_001008738.3); c.1808A>G, p.Gln603Arg (NM_001346114.2); short protein forms Q603R, Q620R, Q648R.
Identifiers: ClinVar variation 1246165 (VCV001246165.10), dbSNP rs26008, ClinGen allele CA3400586.